The following is an entry in ClinVar:

NM_000487.6(ARSA):c.1321T>G (p.Tyr441Asp)

Gene: ARSA (arylsulfatase A; minus strand). Cytogenetic location: 22q13.33.
Variant type: single nucleotide variant.
Coding change: c.1321T>G on transcript NM_000487.6 (MANE Select); coding-DNA position 1321, T replaced by G.
Protein change: p.Tyr441Asp; replaces tyrosine 441 with aspartic acid.
Molecular consequence: missense variant.
Genome position (GRCh38, 1-based): chr22:50,625,354, A>C on the plus strand (T>G on the coding strand, the complement: ARSA is on the minus strand). VCF-style: chr22-50625354-A-C. GRCh37 (hg19) VCF-style: chr22-51063782-A-C.
Other names: c.1321T>G, p.Tyr441Asp (NM_001085425.3, NM_001085426.3, NM_001085427.3); c.1063T>G, p.Tyr355Asp (NM_001085428.3, NM_001362782.2); short protein forms Y355D, Y441D.
Identifiers: ClinVar variation 1390687 (VCV001390687.5), dbSNP rs2082645489, ClinGen allele CA412168597.
Genomic context (GRCh38, chr22:50,625,354, plus strand): 5'-GCTGTTTCAGGGCTTGCAGCACCTCTGGGGTGGCCCCGGCCACACCCCCCAGCAGGTTGT[A>C]GTTCTCACCAGGGTCCTTGGACAGGTCATAGAGCAGCGGGGGCTCATGAGCAGTCAGAGA-3'
Protein context (NP_000478.3, residues 431-451): YDLSKDPGEN[Tyr441Asp]NLLGGVAGAT

ClinVar aggregate classification (germline): Uncertain significance (1 of 4 stars; one submission).

Conditions:
Metachromatic leukodystrophy (MLD). Also called: Arylsulfatase A Deficiency; SULFATIDE LIPIDOSIS; ARSA DEFICIENCY; CEREBROSIDE SULFATASE DEFICIENCY; METACHROMATIC LEUKOENCEPHALOPATHY; Cerebral sclerosis diffuse metachromatic form. Identifiers: Orphanet 512, MedGen C0023522, MONDO:0018868, OMIM 250100.

Allele frequency attached by ClinVar (database versions not stated): gnomAD 0.00001.
gnomAD v4.1: 1 of 1,610,466 alleles (0.000062%); highest among the groups gnomAD compares: African/African-American, 0.0013%; no homozygotes.

Submission:

Labcorp Genetics (formerly Invitae), Labcorp
Classification: Uncertain significance for Metachromatic leukodystrophy. Last evaluated: 2022-07-26. Review status: criteria provided, single submitter. Criteria: Invitae Variant Classification Sherloc (09022015). Collection method: clinical testing. Allele origin: germline.
Comment: This sequence change replaces tyrosine, which is neutral and polar, with aspartic acid, which is acidic and polar, at codon 441 of the ARSA protein (p.Tyr441Asp). This variant is not present in population databases (gnomAD no frequency). This variant has not been reported in the literature in individuals affected with ARSA-related conditions. ClinVar contains an entry for this variant (Variation ID: 1390687). Algorithms developed to predict the effect of missense changes on protein structure and function (SIFT, PolyPhen-2, Align-GVGD) all suggest that this variant is likely to be disruptive. In summary, the available evidence is currently insufficient to determine the role of this variant in disease. Therefore, it has been classified as a Variant of Uncertain Significance.